The following is an entry in ClinVar:

NM_033131.4(WNT3A):c.186C>G (p.Ile62Met)

Gene: WNT3A (Wnt family member 3A; plus strand). Cytogenetic location: 1q42.13.
Variant type: single nucleotide variant.
Coding change: c.186C>G on transcript NM_033131.4 (MANE Select); coding-DNA position 186, C replaced by G.
Protein change: p.Ile62Met; replaces isoleucine 62 with methionine.
Molecular consequence: missense variant.
Genome position (GRCh38, 1-based): chr1:228,022,781, C>G. VCF-style: chr1-228022781-C-G. GRCh37 (hg19) VCF-style: chr1-228210482-C-G.
Other names: c.186C>G (NM_033131.3); short protein forms I62M.
Identifiers: ClinVar variation 1451076 (VCV001451076.8), dbSNP rs779941062, ClinGen allele CA1429377.

ClinVar aggregate classification (germline): Uncertain significance. Review status: criteria provided, multiple submitters, no conflicts (2 of 4 stars). 2 submissions from 2 submitters: Uncertain significance (2). Last evaluated 2024-02-27.

Allele frequency attached by ClinVar (database versions not stated): gnomAD exomes 0.00001 and 0.00003; ExAC 0.00003.
gnomAD v4.1: 6 of 1,614,200 alleles (0.00037%); highest among the groups gnomAD compares: Admixed American, 0.0067%; no homozygotes.

Submissions (2):

Ambry Genetics
Classification: Uncertain significance. Last evaluated: 2024-02-27. Review status: criteria provided, single submitter. Criteria: Ambry Variant Classification Scheme 2023. Collection method: clinical testing. Allele origin: germline.

Labcorp Genetics (formerly Invitae), Labcorp
Classification: Uncertain significance. Last evaluated: 2022-08-19. Review status: criteria provided, single submitter. Criteria: Invitae Variant Classification Sherloc (09022015). Collection method: clinical testing. Allele origin: germline.
Comment: This sequence change replaces isoleucine, which is neutral and non-polar, with methionine, which is neutral and non-polar, at codon 62 of the WNT3A protein (p.Ile62Met). This variant is present in population databases (rs779941062, gnomAD 0.01%). This variant has not been reported in the literature in individuals affected with WNT3A-related conditions. ClinVar contains an entry for this variant (Variation ID: 1451076). Algorithms developed to predict the effect of missense changes on protein structure and function are either unavailable or do not agree on the potential impact of this missense change (SIFT: "Deleterious"; PolyPhen-2: "Possibly Damaging"; Align-GVGD: "Class C0"). In summary, the available evidence is currently insufficient to determine the role of this variant in disease. Therefore, it has been classified as a Variant of Uncertain Significance.